The following is an entry in ClinVar:

ClinVar aggregate classification (germline): Uncertain significance (1 of 4 stars; one submission).

Allele frequency attached by ClinVar (database versions not stated): TOPMed below 0.00001; gnomAD 0.00001; gnomAD exomes 0.00001.
gnomAD v4.1: 20 of 1,613,872 alleles (0.0012%); highest among the groups gnomAD compares: Non-Finnish European, 0.0017%; no homozygotes.

Submission:

Labcorp Genetics (formerly Invitae), Labcorp
Classification: Uncertain significance. Last evaluated: 2022-07-20. Review status: criteria provided, single submitter. Criteria: Invitae Variant Classification Sherloc (09022015). Collection method: clinical testing. Allele origin: germline.
Comment: This variant is present in population databases (no rsID available, gnomAD 0.003%). In summary, the available evidence is currently insufficient to determine the role of this variant in disease. Therefore, it has been classified as a Variant of Uncertain Significance. Algorithms developed to predict the effect of missense changes on protein structure and function are either unavailable or do not agree on the potential impact of this missense change (SIFT: "Not Available"; PolyPhen-2: "Benign"; Align-GVGD: "Not Available"). This variant has not been reported in the literature in individuals affected with VPS13D-related conditions. This sequence change replaces proline, which is neutral and non-polar, with leucine, which is neutral and non-polar, at codon 2886 of the VPS13D protein (p.Pro2886Leu).

NM_015378.4(VPS13D):c.8657C>T (p.Pro2886Leu)

Gene: VPS13D (vacuolar protein sorting 13 homolog D; plus strand). Cytogenetic location: 1p36.22.
Variant type: single nucleotide variant.
Coding change: c.8657C>T on transcript NM_015378.4 (MANE Select); coding-DNA position 8657, C replaced by T.
Protein change: p.Pro2886Leu; replaces proline 2886 with leucine.
Molecular consequence: missense variant.
Genome position (GRCh38, 1-based): chr1:12,341,810, C>T. VCF-style: chr1-12341810-C-T. GRCh37 (hg19) VCF-style: chr1-12401867-C-T.
Other names: c.8582C>T, p.Pro2861Leu (NM_018156.4); short protein forms P2861L, P2886L.
Identifiers: ClinVar variation 1911149 (VCV001911149.5), dbSNP rs1177463520, ClinGen allele CA338489449.